The following is an entry in ClinVar:

NM_005148.4(UNC119):c.281G>C (p.Arg94Pro)

Gene: UNC119 (unc-119 lipid binding chaperone; minus strand). Cytogenetic location: 17q11.2.
Variant type: single nucleotide variant.
Coding change: c.281G>C on transcript NM_005148.4 (MANE Select); coding-DNA position 281, G replaced by C.
Protein change: p.Arg94Pro; replaces arginine 94 with proline.
Molecular consequence: missense variant. On other transcripts: 5 prime UTR variant (1).
Genome position (GRCh38, 1-based): chr17:28,548,645, C>G on the plus strand (G>C on the coding strand, the complement: UNC119 is on the minus strand). VCF-style: chr17-28548645-C-G. GRCh37 (hg19) VCF-style: chr17-26875663-C-G.
Other names: c.-5G>C (NM_001330166.2); c.281G>C, p.Arg94Pro (NM_054035.2); short protein forms R94P.
Identifiers: ClinVar variation 1493362 (VCV001493362.6), dbSNP rs763481567, ClinGen allele CA398332506.
Genomic context (GRCh38, chr17:28,548,645, plus strand): 5'-CACTCACCTGAGACTGGGGGCTTCTTGATTTCAAAGAGGACAGTGCCTGAGTCCATGTCC[C>G]GAATCTTAAACCTGACAAAGTCGATCTTGTAGATATTCTCCTCAGGGGAGCAGAGGTAGT-3'
Protein context (NP_005139.1, residues 84-104): YKIDFVRFKI[Arg94Pro]DMDSGTVLFE

ClinVar aggregate classification (germline): Uncertain significance (1 of 4 stars; one submission).

Submission:

Labcorp Genetics (formerly Invitae), Labcorp
Classification: Uncertain significance. Last evaluated: 2021-02-05. Review status: criteria provided, single submitter. Criteria: Invitae Variant Classification Sherloc (09022015). Collection method: clinical testing. Allele origin: germline.
Comment: In summary, the available evidence is currently insufficient to determine the role of this variant in disease. Therefore, it has been classified as a Variant of Uncertain Significance. Algorithms developed to predict the effect of missense changes on protein structure and function are either unavailable or do not agree on the potential impact of this missense change (SIFT: "Not Available"; PolyPhen-2: "Probably Damaging"; Align-GVGD: "Not Available"). This variant has not been reported in the literature in individuals with UNC119-related conditions. This variant is not present in population databases (ExAC no frequency). This sequence change replaces arginine with proline at codon 94 of the UNC119 protein (p.Arg94Pro). The arginine residue is highly conserved and there is a moderate physicochemical difference between arginine and proline.